The following is an entry in ClinVar:

NM_000492.4(CFTR):c.3706C>G (p.Pro1236Ala)

Genes: CFTR (CF transmembrane conductance regulator; plus strand), CFTR-AS2 (CFTR antisense RNA 2; minus strand). Cytogenetic location: 7q31.2.
Variant type: single nucleotide variant.
Coding change: c.3706C>G on transcript NM_000492.4 (MANE Select); coding-DNA position 3706, C replaced by G.
Protein change: p.Pro1236Ala; replaces proline 1236 with alanine.
Molecular consequence: missense variant.
Genome position (GRCh38, 1-based): chr7:117,627,759, C>G. VCF-style: chr7-117627759-C-G. GRCh37 (hg19) VCF-style: chr7-117267813-C-G.
Other names: short protein forms P1236A.
Identifiers: ClinVar variation 2562530 (VCV002562530.2), dbSNP rs2485146674, ClinGen allele CA368997575.

ClinVar aggregate classification (germline): Uncertain significance (1 of 4 stars; one submission).

Conditions:
Cystic fibrosis (CF). Also called: MUCOVISCIDOSIS. Identifiers: Orphanet 586, MedGen C0010674, MONDO:0009061, OMIM 219700. Disease mechanism: loss of function.

Submission:

Ambry Genetics
Classification: Uncertain significance for Cystic fibrosis. Last evaluated: 2023-05-05. Review status: criteria provided, single submitter. Criteria: Ambry Variant Classification Scheme 2023. Collection method: clinical testing. Allele origin: germline.
Comment: The p.P1236A variant (also known as c.3706C>G), located in coding exon 22 of the CFTR gene, results from a C to G substitution at nucleotide position 3706. The proline at codon 1236 is replaced by alanine, an amino acid with highly similar properties. This amino acid position is well conserved in available vertebrate species. In addition, the in silico prediction for this alteration is inconclusive. Since supporting evidence is limited at this time, the clinical significance of this alteration remains unclear.